The following is an entry in ClinVar:

ClinVar aggregate classification (germline): Uncertain significance. Review status: criteria provided, multiple submitters, no conflicts (2 of 4 stars). 2 submissions from 2 submitters: Uncertain significance (2). Last evaluated 2025-12-16.

Allele frequency attached by ClinVar (database versions not stated): TOPMed 0.00001; gnomAD exomes 0.00001; gnomAD 0.00002.
gnomAD v4.1: 12 of 1,565,300 alleles (0.00077%); highest among the groups gnomAD compares: Admixed American, 0.0038%; no homozygotes.

Submissions (2):

Dasa
Classification: Uncertain significance. Last evaluated: 2025-12-16. Review status: criteria provided, single submitter. Criteria: DASA Assertion Criteria. Collection method: clinical testing. Allele origin: germline.
Comment: NM_000095.3(COMP):c.1871C>T (p.Ala624Val) is a missense variant that results in the substitution of alanine with valine. This variant is rare in population databases. Computational prediction algorithms are consistent with a deleterious effect. The currently available literature and clinical evidence are not sufficient to establish a definitive association between this variant and the reported condition. Therefore, this variant is classified as a variant of uncertain significance.

Labcorp Genetics (formerly Invitae), Labcorp
Classification: Uncertain significance. Last evaluated: 2022-11-22. Review status: criteria provided, single submitter. Criteria: Invitae Variant Classification Sherloc (09022015). Collection method: clinical testing. Allele origin: germline.
Comment: In summary, the available evidence is currently insufficient to determine the role of this variant in disease. Therefore, it has been classified as a Variant of Uncertain Significance. Algorithms developed to predict the effect of sequence changes on RNA splicing suggest that this variant may create or strengthen a splice site. Advanced modeling of protein sequence and biophysical properties (such as structural, functional, and spatial information, amino acid conservation, physicochemical variation, residue mobility, and thermodynamic stability) performed at Invitae indicates that this missense variant is not expected to disrupt COMP protein function. ClinVar contains an entry for this variant (Variation ID: 1429802). This variant has not been reported in the literature in individuals affected with COMP-related conditions. This variant is present in population databases (rs201624503, gnomAD 0.007%). This sequence change replaces alanine, which is neutral and non-polar, with valine, which is neutral and non-polar, at codon 624 of the COMP protein (p.Ala624Val).

NM_000095.3(COMP):c.1871C>T (p.Ala624Val)

Gene: COMP (cartilage oligomeric matrix protein; minus strand). Cytogenetic location: 19p13.11.
Variant type: single nucleotide variant.
Coding change: c.1871C>T on transcript NM_000095.3 (MANE Select); coding-DNA position 1871, C replaced by T.
Protein change: p.Ala624Val; replaces alanine 624 with valine.
Molecular consequence: missense variant.
Genome position (GRCh38, 1-based): chr19:18,784,939, G>A on the plus strand (C>T on the coding strand, the complement: COMP is on the minus strand). VCF-style: chr19-18784939-G-A. GRCh37 (hg19) VCF-style: chr19-18895749-G-A.
Other names: short protein forms A624V.
Identifiers: ClinVar variation 1429802 (VCV001429802.8), dbSNP rs201624503, ClinGen allele CA9316256.